The following is an entry in ClinVar:

NM_198586.3(NHLRC1):c.398C>A (p.Ala133Glu)

Gene: NHLRC1 (NHL repeat containing E3 ubiquitin protein ligase 1; minus strand). Cytogenetic location: 6p22.3.
Variant type: single nucleotide variant.
Coding change: c.398C>A on transcript NM_198586.3 (MANE Select); coding-DNA position 398, C replaced by A.
Protein change: p.Ala133Glu; replaces alanine 133 with glutamic acid.
Molecular consequence: missense variant.
Genome position (GRCh38, 1-based): chr6:18,122,209, G>T on the plus strand (C>A on the coding strand, the complement: NHLRC1 is on the minus strand). VCF-style: chr6-18122209-G-T. GRCh37 (hg19) VCF-style: chr6-18122440-G-T.
Other names: short protein forms A133E.
Identifiers: ClinVar variation 3668190 (VCV003668190.2).

ClinVar aggregate classification (germline): Uncertain significance (1 of 4 stars; one submission).

Conditions:
Lafora disease. Also called: Epilepsy progressive myoclonic 2; Progressive Myoclonus Epilepsy, Lafora Type. Identifiers: Orphanet 501, MedGen C0751783, MONDO:0009697.

gnomAD v4.1: 3 of 1,613,178 alleles (0.00019%); highest among the groups gnomAD compares: Non-Finnish European, 0.00025%; no homozygotes.

Submission:

Labcorp Genetics (formerly Invitae), Labcorp
Classification: Uncertain significance for Lafora disease. Last evaluated: 2024-10-10. Review status: criteria provided, single submitter. Criteria: Invitae Variant Classification Sherloc (09022015). Collection method: clinical testing. Allele origin: germline.
Comment: This sequence change replaces alanine, which is neutral and non-polar, with glutamic acid, which is acidic and polar, at codon 133 of the NHLRC1 protein (p.Ala133Glu). This variant is not present in population databases (gnomAD no frequency). This variant has not been reported in the literature in individuals affected with NHLRC1-related conditions. Invitae Evidence Modeling of protein sequence and biophysical properties (such as structural, functional, and spatial information, amino acid conservation, physicochemical variation, residue mobility, and thermodynamic stability) indicates that this missense variant is expected to disrupt NHLRC1 protein function with a positive predictive value of 95%. In summary, the available evidence is currently insufficient to determine the role of this variant in disease. Therefore, it has been classified as a Variant of Uncertain Significance.